The following is an entry in ClinVar:

ClinVar aggregate classification (germline): Pathogenic/Likely pathogenic. Review status: criteria provided, multiple submitters, no conflicts (2 of 4 stars). 3 submissions from 3 submitters: Pathogenic (1); Likely pathogenic (1). 1 of the submissions does not count toward it. Last evaluated 2020-10-23.

Submissions (3):

Institute of Medical Genetics and Applied Genomics, University Hospital Tübingen
Classification: Likely pathogenic. Last evaluated: 2020-10-23. Review status: criteria provided, single submitter. Criteria: ACMG Guidelines, 2015. Collection method: clinical testing. Allele origin: germline. Inheritance: Unknown mechanism. Affected: yes.

GeneDx
Classification: Pathogenic. Last evaluated: 2015-03-26. Review status: criteria provided, single submitter. Criteria: GeneDx Variant Classification (06012015). Collection method: clinical testing. Allele origin: germline. Affected: yes.
Comment: The I462N variant has been reported in a family diagnosed with pachyonychia congenita (Smith et al., 2005). The variant segregated with the phenotype in this family (Smith et al., 2005). The I462N variant was not observed in approximately 6,500 individuals of European and African American ancestry in the NHLBI Exome Sequencing Project, indicating it is not a common benign variant in these populations. We interpret I462N as a pathogenic variant.

Epithelial Biology;  Institute of Medical Biology, Singapore
No classification provided. Review status: no classification provided. Collection method: not provided. Allele origin: not provided. Not counted in ClinVar's aggregate classification.

NM_005554.4(KRT6A):c.1385T>A (p.Ile462Asn)

Gene: KRT6A (keratin 6A; minus strand). Cytogenetic location: 12q13.13.
Variant type: single nucleotide variant.
Coding change: c.1385T>A on transcript NM_005554.4 (MANE Select); coding-DNA position 1385, T replaced by A.
Protein change: p.Ile462Asn; replaces isoleucine 462 with asparagine.
Molecular consequence: missense variant.
Genome position (GRCh38, 1-based): chr12:52,488,367, A>T on the plus strand (T>A on the coding strand, the complement: KRT6A is on the minus strand). VCF-style: chr12-52488367-A-T. GRCh37 (hg19) VCF-style: chr12-52882151-A-T.
Other names: short protein forms I462N.
Identifiers: ClinVar variation 66568 (VCV000066568.4), dbSNP rs57629991, ClinGen allele CA217331.